The following is an entry in ClinVar:

ClinVar aggregate classification (germline): Uncertain significance. Review status: criteria provided, multiple submitters, no conflicts (2 of 4 stars). 2 submissions from 2 submitters: Uncertain significance (2). Last evaluated 2025-04-07.

Conditions:
Haddad syndrome (OHD). Also called: Ondine-Hirschsprung disease. Identifiers: Orphanet 99803, MedGen C1859049, MONDO:0020493.
Hereditary cancer-predisposing syndrome. Also called: Tumor predisposition; Hereditary neoplastic syndrome; Neoplastic Syndromes, Hereditary; Hereditary Cancer Syndrome. Identifiers: Orphanet 140162, MedGen C0027672, MeSH D009386, MONDO:0015356.

Allele frequency attached by ClinVar (database versions not stated): gnomAD 0.00001; gnomAD exomes 0.00001; TOPMed 0.00002.

Submissions (2):

Labcorp Genetics (formerly Invitae), Labcorp
Classification: Uncertain significance for Haddad syndrome. Last evaluated: 2025-04-07. Review status: criteria provided, single submitter. Criteria: Invitae Variant Classification Sherloc (09022015). Collection method: clinical testing. Allele origin: germline.
Comment: This sequence change replaces proline, which is neutral and non-polar, with glutamine, which is neutral and polar, at codon 46 of the PHOX2B protein (p.Pro46Gln). This variant is not present in population databases (gnomAD no frequency). This variant has not been reported in the literature in individuals affected with PHOX2B-related conditions. ClinVar contains an entry for this variant (Variation ID: 819044). Invitae Evidence Modeling of protein sequence and biophysical properties (such as structural, functional, and spatial information, amino acid conservation, physicochemical variation, residue mobility, and thermodynamic stability) indicates that this missense variant is not expected to disrupt PHOX2B protein function with a negative predictive value of 80%. In summary, the available evidence is currently insufficient to determine the role of this variant in disease. Therefore, it has been classified as a Variant of Uncertain Significance.

Ambry Genetics
Classification: Uncertain significance for Hereditary cancer-predisposing syndrome. Last evaluated: 2025-01-20. Review status: criteria provided, single submitter. Criteria: Ambry Variant Classification Scheme 2023. Collection method: clinical testing. Allele origin: germline.
Comment: The p.P46Q variant (also known as c.137C>A), located in coding exon 1 of the PHOX2B gene, results from a C to A substitution at nucleotide position 137. The proline at codon 46 is replaced by glutamine, an amino acid with similar properties. This amino acid position is highly conserved in available vertebrate species. In addition, this alteration is predicted to be deleterious by in silico analysis. Since supporting evidence is limited at this time, the clinical significance of this alteration remains unclear.

NM_003924.4(PHOX2B):c.137C>A (p.Pro46Gln)

Genes: PHOX2B-AS1 (PHOX2B antisense RNA 1; plus strand), PHOX2B (paired like homeobox 2B; minus strand). Cytogenetic location: 4p13.
Variant type: single nucleotide variant.
Coding change: c.137C>A on transcript NM_003924.4 (MANE Select); coding-DNA position 137, C replaced by A.
Protein change: p.Pro46Gln; replaces proline 46 with glutamine.
Molecular consequence: missense variant.
Genome position (GRCh38, 1-based): chr4:41,748,474, G>T on the plus strand (C>A on the coding strand, the complement: PHOX2B is on the minus strand). VCF-style: chr4-41748474-G-T. GRCh37 (hg19) VCF-style: chr4-41750491-G-T.
Other names: short protein forms P46Q.
Identifiers: ClinVar variation 819044 (VCV000819044.15), dbSNP rs1381435898, ClinGen allele CA356740999.
Genomic context (GRCh38, chr4:41,748,474, plus strand): 5'-CTGCAGGATCCCGGCGTGAGGGAAGGGCAGCCGGACGTGGCCCCAAAAGTGGTCCTTATC[G>T]GGTTATACTGGAAGCCACTGGCCTGGCTGCAGGAACTGAAGTCAGCATAGGCTGAAGCCA-3'
Protein context (NP_003915.2, residues 36-56): CSQASGFQYN[Pro46Gln]IRTTFGATSG